The following is an entry in ClinVar:

ClinVar aggregate classification (germline): Uncertain significance. Review status: criteria provided, multiple submitters, no conflicts (2 of 4 stars). 2 submissions from 2 submitters: Uncertain significance (2). Last evaluated 2025-08-04.

Submissions (2):

Labcorp Genetics (formerly Invitae), Labcorp
Classification: Uncertain significance. Last evaluated: 2025-08-04. Review status: criteria provided, single submitter. Criteria: Invitae Variant Classification Sherloc (09022015). Collection method: clinical testing. Allele origin: germline.
Comment: This variant, c.2947_2961del, results in the deletion of 5 amino acid(s) of the ATP2B2 protein (p.Arg983_Phe987del), but otherwise preserves the integrity of the reading frame. This variant is not present in population databases (gnomAD no frequency). This variant has been observed in individual(s) with clinical features of deafness (internal data). ClinVar contains an entry for this variant (Variation ID: 3372184). Experimental studies and prediction algorithms are not available or were not evaluated, and the functional significance of this variant is currently unknown. In summary, the available evidence is currently insufficient to determine the role of this variant in disease. Therefore, it has been classified as a Variant of Uncertain Significance.

GeneDx
Classification: Uncertain significance. Last evaluated: 2024-11-06. Review status: criteria provided, single submitter. Criteria: GeneDx Variant Classification Process June 2021. Collection method: clinical testing. Allele origin: germline. Affected: yes.
Comment: Not observed at significant frequency in large population cohorts (gnomAD); In-frame deletion of 5 amino acids in a non-repeat region; In silico analysis supports a deleterious effect on protein structure/function; Has not been previously published as pathogenic or benign to our knowledge

NM_001001331.4(ATP2B2):c.3082_3096del (p.Arg1028_Phe1032del)

Gene: ATP2B2 (ATPase plasma membrane Ca2+ transporting 2; minus strand). Cytogenetic location: 3p25.3.
Variant type: Deletion.
Coding change: c.3082_3096del on transcript NM_001001331.4 (MANE Select); coding-DNA positions 3082 to 3096, 15 bases deleted (CGGAACCCCATCTTC).
Protein change: p.Arg1028_Phe1032del.
Genome position (GRCh38, 1-based): chr3:10,340,526-10,340,540, GAAGATGGGGTTCCG deleted on the plus strand (CGGAACCCCATCTTC on the coding strand, the reverse complement: ATP2B2 is on the minus strand); deleting any 15 consecutive bases within chr3:10,340,526-10,340,547 gives the same sequence; the c. name uses the placement nearest the transcript's 3' end. VCF-style (leftmost placement, unchanged base first): chr3-10340525-AGAAGATGGGGTTCCG-A. GRCh37 (hg19) VCF-style: chr3-10382209-AGAAGATGGGGTTCCG-A.
Other names: c.2947_2961del, p.Arg983_Phe987del (NM_001330611.3, NM_001353564.1, NM_001363862.1 and 1 more transcripts).
Identifiers: ClinVar variation 3372184 (VCV003372184.3).
Genomic context (GRCh38, chr3:10,340,525, plus strand): 5'-GGCCTGGTTAGGGTGGGGGCCTCACTACCTGGATGGCAAAGGTGCCCAGCACGATGGTGC[AGAAGATGGGGTTCCG>A]GAAGATGCCGTCAAAGACATTGCGCTCGCCGTGGATCTTGCGGGCGTTGATCTCGTTGAA-3'